The following is an entry in ClinVar:

ClinVar aggregate classification (germline): Conflicting classifications of pathogenicity. Review status: criteria provided, conflicting classifications (1 of 4 stars). 2 submissions from 2 submitters: Uncertain significance (1); Likely benign (1). Last evaluated 2024-01-17.

Conditions:
Multiple congenital anomalies-hypotonia-seizures syndrome 2 (MCAHS2). Also called: EPILEPTIC ENCEPHALOPATHY, EARLY INFANTILE, 20; GLYCOSYLPHOSPHATIDYLINOSITOL BIOSYNTHESIS DEFECT 4. Identifiers: Orphanet 300496, MedGen C3275508, MONDO:0010466, OMIM 300868.

Allele frequency attached by ClinVar (database versions not stated): gnomAD exomes below 0.00001 and 0.00002; TOPMed below 0.00001; gnomAD 0.00001; ExAC 0.00004; 1000 Genomes Project 30x 0.00021; 1000 Genomes Project 0.00026.

Submissions (2):

Labcorp Genetics (formerly Invitae), Labcorp
Classification: Uncertain significance for Multiple congenital anomalies-hypotonia-seizures syndrome 2. Last evaluated: 2024-01-17. Review status: criteria provided, single submitter. Criteria: Invitae Variant Classification Sherloc (09022015). Collection method: clinical testing. Allele origin: germline.
Comment: This sequence change falls in intron 2 of the PIGA gene. It does not directly change the encoded amino acid sequence of the PIGA protein. It affects a nucleotide within the consensus splice site. This variant is present in population databases (rs762891698, gnomAD 0.007%). This variant has not been reported in the literature in individuals affected with PIGA-related conditions. ClinVar contains an entry for this variant (Variation ID: 647223). Variants that disrupt the consensus splice site are a relatively common cause of aberrant splicing (PMID: 17576681, 9536098). Algorithms developed to predict the effect of sequence changes on RNA splicing suggest that this variant is not likely to affect RNA splicing. In summary, the available evidence is currently insufficient to determine the role of this variant in disease. Therefore, it has been classified as a Variant of Uncertain Significance.

Blueprint Genetics
Classification: Likely benign. Last evaluated: 2021-06-10. Review status: criteria provided, single submitter. Criteria: ACMG Guidelines, 2015. Collection method: clinical testing. Allele origin: germline.

Literature cited by the submitters: PubMed 17576681 (cited by Labcorp Genetics (formerly Invitae), Labcorp); PubMed 9536098 (cited by Labcorp Genetics (formerly Invitae), Labcorp).

NM_002641.4(PIGA):c.715+5T>C

Gene: PIGA (phosphatidylinositol glycan anchor biosynthesis class A; minus strand). Cytogenetic location: Xp22.2.
Variant type: single nucleotide variant.
Coding change: c.715+5T>C on transcript NM_002641.4 (MANE Select); 5 bases into the intron after coding-DNA position 715, T replaced by C.
Molecular consequence: intron variant.
Genome position (GRCh38, 1-based): chrX:15,331,211, A>G on the plus strand (T>C on the coding strand, the complement: PIGA is on the minus strand). VCF-style: chrX-15331211-A-G. GRCh37 (hg19) VCF-style: chrX-15349333-A-G.
Other names: c.13+4290T>C (NM_020473.3).
Identifiers: ClinVar variation 647223 (VCV000647223.12), dbSNP rs762891698, ClinGen allele CA10354141.